The following is an entry in ClinVar:

ClinVar aggregate classification (germline): Uncertain significance (1 of 4 stars; one submission).

Submission:

Labcorp Genetics (formerly Invitae), Labcorp
Classification: Uncertain significance. Last evaluated: 2025-01-20. Review status: criteria provided, single submitter. Criteria: Invitae Variant Classification Sherloc (09022015). Collection method: clinical testing. Allele origin: germline.
Comment: This sequence change replaces glutamic acid, which is acidic and polar, with lysine, which is basic and polar, at codon 142 of the MMP14 protein (p.Glu142Lys). This variant is present in population databases (rs373465627, gnomAD 0.01%). This variant has not been reported in the literature in individuals affected with MMP14-related conditions. Invitae Evidence Modeling of protein sequence and biophysical properties (such as structural, functional, and spatial information, amino acid conservation, physicochemical variation, residue mobility, and thermodynamic stability) indicates that this missense variant is not expected to disrupt MMP14 protein function with a negative predictive value of 80%. In summary, the available evidence is currently insufficient to determine the role of this variant in disease. Therefore, it has been classified as a Variant of Uncertain Significance.

NM_004995.4(MMP14):c.424G>A (p.Glu142Lys)

Gene: MMP14 (matrix metallopeptidase 14; plus strand). Cytogenetic location: 14q11.2.
Variant type: single nucleotide variant.
Coding change: c.424G>A on transcript NM_004995.4 (MANE Select); coding-DNA position 424, G replaced by A.
Protein change: p.Glu142Lys; replaces glutamic acid 142 with lysine.
Molecular consequence: missense variant.
Genome position (GRCh38, 1-based): chr14:22,842,453, G>A. VCF-style: chr14-22842453-G-A. GRCh37 (hg19) VCF-style: chr14-23311662-G-A.
Other names: short protein forms E142K.
Identifiers: ClinVar variation 3619274 (VCV003619274.2).